The following is an entry in ClinVar:

ClinVar aggregate classification (germline): Uncertain significance (1 of 4 stars; one submission).

Conditions:
Intellectual developmental disorder, autosomal dominant 6, with or without seizures. Also called: GRIN2B-related developmental delay, intellectual disability and autism spectrum disorder; Intellectual disability, autosomal dominant 6. Identifiers: Orphanet 589547, MedGen C3151411, MONDO:0013509, OMIM 613970.
Developmental and epileptic encephalopathy, 27 (DEE27). Also called: Epileptic encephalopathy, early infantile, 27; GRIN2B-Related Neurodevelopmental Disorder. Identifiers: Orphanet 3451, MedGen C4015316, MONDO:0014505, OMIM 616139.

Submission:

Labcorp Genetics (formerly Invitae), Labcorp
Classification: Uncertain significance for Developmental and epileptic encephalopathy, 27; Intellectual developmental disorder, autosomal dominant 6, with or without seizures. Last evaluated: 2023-10-28. Review status: criteria provided, single submitter. Criteria: Invitae Variant Classification Sherloc (09022015). Collection method: clinical testing. Allele origin: germline.
Comment: This sequence change replaces threonine, which is neutral and polar, with isoleucine, which is neutral and non-polar, at codon 1279 of the GRIN2B protein (p.Thr1279Ile). This variant is not present in population databases (gnomAD no frequency). This variant has not been reported in the literature in individuals affected with GRIN2B-related conditions. Advanced modeling of protein sequence and biophysical properties (such as structural, functional, and spatial information, amino acid conservation, physicochemical variation, residue mobility, and thermodynamic stability) performed at Invitae indicates that this missense variant is not expected to disrupt GRIN2B protein function with a negative predictive value of 95%. In summary, the available evidence is currently insufficient to determine the role of this variant in disease. Therefore, it has been classified as a Variant of Uncertain Significance.

NM_000834.5(GRIN2B):c.3836C>T (p.Thr1279Ile)

Gene: GRIN2B (glutamate ionotropic receptor NMDA type subunit 2B; minus strand). Cytogenetic location: 12p13.1.
Variant type: single nucleotide variant.
Coding change: c.3836C>T on transcript NM_000834.5 (MANE Select); coding-DNA position 3836, C replaced by T.
Protein change: p.Thr1279Ile; replaces threonine 1279 with isoleucine.
Molecular consequence: missense variant.
Genome position (GRCh38, 1-based): chr12:13,563,402, G>A on the plus strand (C>T on the coding strand, the complement: GRIN2B is on the minus strand). VCF-style: chr12-13563402-G-A. GRCh37 (hg19) VCF-style: chr12-13716336-G-A.
Other names: c.3836C>T, p.Thr1279Ile (NM_001413992.1); short protein forms T1279I.
Identifiers: ClinVar variation 2953326 (VCV002953326.3), dbSNP rs1295154929, ClinGen allele CA383987402.